The following is an entry in ClinVar:

NC_000001.10:g.(?_156105672)_(156108897_?)del

Gene: LMNA (lamin A/C; plus strand). Cytogenetic location: 1q22.
Variant type: Deletion.
Identifiers: ClinVar variation 2427462 (VCV002427462.4).

ClinVar aggregate classification (germline): Pathogenic (1 of 4 stars; one submission).

Conditions:
Charcot-Marie-Tooth disease type 2. Also called: Charcot-Marie-Tooth type 2. Identifiers: Orphanet 64746, MedGen C0270914, MONDO:0018993.

Submission:

Labcorp Genetics (formerly Invitae), Labcorp
Classification: Pathogenic for Charcot-Marie-Tooth disease type 2. Last evaluated: 2021-12-09. Review status: criteria provided, single submitter. Criteria: Invitae Variant Classification Sherloc (09022015). Collection method: clinical testing. Allele origin: germline.
Comment: This variant has not been reported in the literature in individuals affected with LMNA-related conditions. For these reasons, this variant has been classified as Pathogenic. This variant disrupts a region of the LMNA protein in which other variant(s) (p.Arg541His) have been determined to be pathogenic (PMID: 10612827, 14675861, 14684700, 18564364, 18646565, 23183350, 27532257). This suggests that this is a clinically significant region of the protein, and that variants that disrupt it are likely to be disease-causing. This variant is a gross deletion of the genomic region encompassing exon(s) 6-12 of the LMNA gene, which includes the termination codon. This deletion extends beyond the assayed region for this gene and therefore may encompass additional genes. While this deletion is not anticipated to lead to nonsense mediated decay, it is expected to alter mRNA translation or result in a truncated protein product.

Literature cited by the submitters: PubMed 10612827; PubMed 14675861; PubMed 14684700; PubMed 18564364; PubMed 18646565; PubMed 23183350; PubMed 27532257.